The following is an entry in ClinVar:

NM_001283009.2(RTEL1):c.2309G>A (p.Gly770Glu)

Genes: RTEL1-TNFRSF6B (RTEL1-TNFRSF6B readthrough (NMD candidate); plus strand), RTEL1 (regulator of telomere elongation helicase 1; plus strand). Cytogenetic location: 20q13.33.
Variant type: single nucleotide variant.
Coding change: c.2309G>A on transcript NM_001283009.2 (MANE Select); coding-DNA position 2309, G replaced by A.
Protein change: p.Gly770Glu; replaces glycine 770 with glutamic acid.
Molecular consequence: missense variant. On other transcripts: non-coding transcript variant (1).
Genome position (GRCh38, 1-based): chr20:63,690,337, G>A. VCF-style: chr20-63690337-G-A. GRCh37 (hg19) VCF-style: chr20-62321690-G-A.
Other names: c.1640G>A, p.Gly547Glu (NM_001283010.1); c.2309G>A, p.Gly770Glu (NM_016434.4); c.2381G>A, p.Gly794Glu (NM_032957.5); short protein forms G794E, G547E, G770E.
Identifiers: ClinVar variation 4844063 (VCV004844063.1).
Genomic context (GRCh38, chr20:63,690,337, plus strand): 5'-CCCCCATGGTTCTGCAGATGCCAGCGCCGGCCCCCCGGGCTACAGCACCCAGTGTGCGTG[G>A]AGAAGATGCTGTCAGCGAGGCCAAGTCGCCTGGCCCCTTCTTCTCCACCAGGAAAGCTAA-3'
Protein context (NP_001269938.1, residues 760-780): APRATAPSVR[Gly770Glu]EDAVSEAKSP

ClinVar aggregate classification (germline): Uncertain significance (1 of 4 stars; one submission).

Conditions:
Inborn genetic diseases. Identifiers: MedGen C0950123, MeSH D030342.

Submission:

Ambry Genetics
Classification: Uncertain significance for Inborn genetic diseases. Last evaluated: 2025-12-15. Review status: criteria provided, single submitter. Criteria: Ambry Variant Classification Scheme 2023. Collection method: clinical testing. Allele origin: germline.
Comment: The p.G770E variant (also known as c.2309G>A), located in coding exon 25 of the RTEL1 gene, results from a G to A substitution at nucleotide position 2309. The glycine at codon 770 is replaced by glutamic acid, an amino acid with similar properties. This amino acid position is conserved. In addition, this alteration is predicted to be tolerated by in silico analysis. Based on the available evidence, the clinical significance of this variant remains unclear.